The following is an entry in ClinVar:

NM_001267550.2(TTN):c.53561T>A (p.Ile17854Asn)

Genes: TTN-AS1 (TTN antisense RNA 1; plus strand), TTN (titin; minus strand). Cytogenetic location: 2q31.2.
Variant type: single nucleotide variant.
Coding change: c.53561T>A on transcript NM_001267550.2 (MANE Select); coding-DNA position 53561, T replaced by A.
Protein change: p.Ile17854Asn; replaces isoleucine 17854 with asparagine.
Molecular consequence: missense variant.
Genome position (GRCh38, 1-based): chr2:178,607,041, A>T on the plus strand (T>A on the coding strand, the complement: TTN is on the minus strand). VCF-style: chr2-178607041-A-T. GRCh37 (hg19) VCF-style: chr2-179471768-A-T.
Other names: c.48638T>A, p.Ile16213Asn (NM_001256850.1); c.26366T>A, p.Ile8789Asn (NM_003319.4); c.45857T>A, p.Ile15286Asn (NM_133378.4); c.26741T>A, p.Ile8914Asn (NM_133432.3); c.26942T>A, p.Ile8981Asn (NM_133437.4); short protein forms I17854N, I16213N, I8981N, I15286N, I8789N, I8914N.
Identifiers: ClinVar variation 535390 (VCV000535390.4), dbSNP rs375796420, ClinGen allele CA1993790.

ClinVar aggregate classification (germline): Uncertain significance. Review status: criteria provided, multiple submitters, no conflicts (2 of 4 stars). 2 submissions from 2 submitters: Uncertain significance (2). Last evaluated 2026-09-01.

Conditions:
Autosomal recessive limb-girdle muscular dystrophy type 2J (LGMDR10). Also called: MUSCULAR DYSTROPHY, LIMB-GIRDLE, AUTOSOMAL RECESSIVE 10; Limb-girdle muscular dystrophy, type 2J. Identifiers: Orphanet 140922, MedGen C1837342, MONDO:0012127, OMIM 608807.
Dilated cardiomyopathy 1G (CMD1G). Identifiers: Orphanet 154, MedGen C1858763, MONDO:0011400, OMIM 604145.

Allele frequency attached by ClinVar (database versions not stated): TOPMed 0.00001; ExAC 0.00002; gnomAD exomes 0.00002 and 0.00003; gnomAD 0.00003 and 0.00004; ESP Exome Variant Server 0.00008; 1000 Genomes Project 30x 0.00016; 1000 Genomes Project 0.00020.
gnomAD v4.1: 27 of 1,610,410 alleles (0.0017%); highest among the groups gnomAD compares: Non-Finnish European, 0.0018%; no homozygotes.

Submissions (2):

CeGaT Center for Human Genetics Tuebingen
Classification: Uncertain significance. Last evaluated: 2026-09-01. Review status: criteria provided, single submitter. Criteria: CeGaT Center For Human Genetics Tuebingen Variant Classification Criteria Version 2. Collection method: clinical testing. Allele origin: germline. Affected: yes. Observed: 1 variant allele.
Comment: TTN: PM2

Labcorp Genetics (formerly Invitae), Labcorp
Classification: Uncertain significance for Dilated cardiomyopathy 1G; Autosomal recessive limb-girdle muscular dystrophy type 2J. Last evaluated: 2017-08-17. Review status: criteria provided, single submitter. Criteria: Invitae Variant Classification Sherloc (09022015). Collection method: clinical testing. Allele origin: germline.